The following is an entry in ClinVar:

NM_004273.5(CHST3):c.467G>A (p.Gly156Asp)

Gene: CHST3 (carbohydrate sulfotransferase 3; plus strand). Cytogenetic location: 10q22.1.
Variant type: single nucleotide variant.
Coding change: c.467G>A on transcript NM_004273.5 (MANE Select); coding-DNA position 467, G replaced by A.
Protein change: p.Gly156Asp; replaces glycine 156 with aspartic acid.
Molecular consequence: missense variant.
Genome position (GRCh38, 1-based): chr10:72,007,498, G>A. VCF-style: chr10-72007498-G-A. GRCh37 (hg19) VCF-style: chr10-73767256-G-A.
Other names: short protein forms G156D.
Identifiers: ClinVar variation 1981813 (VCV001981813.1), dbSNP rs377025689, ClinGen allele CA5548095.

ClinVar aggregate classification (germline): Uncertain significance (1 of 4 stars; one submission).

Conditions:
Spondyloepiphyseal dysplasia with congenital joint dislocations (SEDCJD). Also called: Chondrodysplasia with Congenital Joint Dislocations, CHST3-Related. Identifiers: Orphanet 263463, MedGen C1837657, MONDO:0007738, OMIM 143095.

Allele frequency attached by ClinVar (database versions not stated): TOPMed 0.00002; ESP Exome Variant Server 0.00015.
gnomAD v4.1: 27 of 1,602,284 alleles (0.0017%); highest among the groups gnomAD compares: Non-Finnish European, 0.0019%; no homozygotes.

Submission:

Labcorp Genetics (formerly Invitae), Labcorp
Classification: Uncertain significance for Spondyloepiphyseal dysplasia with congenital joint dislocations. Last evaluated: 2022-10-25. Review status: criteria provided, single submitter. Criteria: Invitae Variant Classification Sherloc (09022015). Collection method: clinical testing. Allele origin: germline.
Comment: This sequence change replaces glycine, which is neutral and non-polar, with aspartic acid, which is acidic and polar, at codon 156 of the CHST3 protein (p.Gly156Asp). This variant is present in population databases (rs377025689, gnomAD 0.006%). This variant has not been reported in the literature in individuals affected with CHST3-related conditions. Advanced modeling of protein sequence and biophysical properties (such as structural, functional, and spatial information, amino acid conservation, physicochemical variation, residue mobility, and thermodynamic stability) performed at Invitae indicates that this missense variant is not expected to disrupt CHST3 protein function. In summary, the available evidence is currently insufficient to determine the role of this variant in disease. Therefore, it has been classified as a Variant of Uncertain Significance.